The following is an entry in ClinVar:

ClinVar aggregate classification (germline): Uncertain significance. Review status: criteria provided, multiple submitters, no conflicts (2 of 4 stars). 5 submissions from 5 submitters: Uncertain significance (5). Last evaluated 2025-12-04.

Conditions:
PLEKHG5-related disorder. Also called: PLEKHG5-related condition.
Inborn genetic diseases. Identifiers: MedGen C0950123, MeSH D030342.
Charcot-Marie-Tooth disease recessive intermediate C. Also called: CHARCOT-MARIE-TOOTH NEUROPATHY, RECESSIVE INTERMEDIATE C. Identifiers: Orphanet 369867, MedGen C3809309, MONDO:0014154, OMIM 615376.
Neuronopathy, distal hereditary motor, autosomal recessive 4. Also called: Autosomal recessive lower motor neuron disease with childhood onset; NEUROPATHY, DISTAL HEREDITARY MOTOR, AUTOSOMAL RECESSIVE 4. Identifiers: Orphanet 206580, MedGen C1970211, MONDO:0012608, OMIM 611067.

Allele frequency attached by ClinVar (database versions not stated): gnomAD 0.00001; ExAC 0.00004; gnomAD exomes 0.00004; TOPMed 0.00004.
gnomAD v4.1: 114 of 1,607,120 alleles (0.0071%); highest among the groups gnomAD compares: Non-Finnish European, 0.0091%; no homozygotes.

Submissions (5):

PreventionGenetics, part of Exact Sciences
Classification: Uncertain significance for PLEKHG5-related condition. Last evaluated: 2025-12-04. Review status: criteria provided, single submitter. Criteria: ACMG Guidelines, 2015. Collection method: clinical testing. Allele origin: germline.
Comment: The PLEKHG5 c.2564C>T variant is predicted to result in the amino acid substitution p.Ser855Leu. To our knowledge, this variant has not been reported in the literature. This variant is reported in 0.0069% of alleles in individuals of African descent in gnomAD. At this time, the clinical significance of this variant is uncertain due to the absence of conclusive functional and genetic evidence.

GeneDx
Classification: Uncertain significance. Last evaluated: 2025-05-29. Review status: criteria provided, single submitter. Criteria: GeneDx Variant Classification Process June 2021. Collection method: clinical testing. Allele origin: germline. Affected: yes.
Comment: Not observed at significant frequency in large population cohorts (gnomAD); In silico analysis suggests that this missense variant does not alter protein structure/function; Has not been previously published as pathogenic or benign to our knowledge

Ambry Genetics
Classification: Uncertain significance for Inborn genetic diseases. Last evaluated: 2025-05-07. Review status: criteria provided, single submitter. Criteria: Ambry Variant Classification Scheme 2023. Collection method: clinical testing. Allele origin: germline.

Labcorp Genetics (formerly Invitae), Labcorp
Classification: Uncertain significance for Neuronopathy, distal hereditary motor, autosomal recessive 4; Charcot-Marie-Tooth disease recessive intermediate C. Last evaluated: 2024-09-02. Review status: criteria provided, single submitter. Criteria: Invitae Variant Classification Sherloc (09022015). Collection method: clinical testing. Allele origin: germline.
Comment: This sequence change replaces serine, which is neutral and polar, with leucine, which is neutral and non-polar, at codon 855 of the PLEKHG5 protein (p.Ser855Leu). This variant is present in population databases (rs768995193, gnomAD 0.007%). This variant has not been reported in the literature in individuals affected with PLEKHG5-related conditions. ClinVar contains an entry for this variant (Variation ID: 195528). An algorithm developed to predict the effect of missense changes on protein structure and function (PolyPhen-2) suggests that this variant is likely to be disruptive. In summary, the available evidence is currently insufficient to determine the role of this variant in disease. Therefore, it has been classified as a Variant of Uncertain Significance.

Eurofins Ntd Llc (ga)
Classification: Uncertain significance. Last evaluated: 2015-04-14. Review status: criteria provided, single submitter. Criteria: EGL Classification Definitions 2015. Collection method: clinical testing. Allele origin: germline. Observed: 1 variant allele, 1 heterozygote.

NM_020631.6(PLEKHG5):c.2564C>T (p.Ser855Leu)

Gene: PLEKHG5 (pleckstrin homology and RhoGEF domain containing G5; minus strand). Cytogenetic location: 1p36.31.
Variant type: single nucleotide variant.
Coding change: c.2564C>T on transcript NM_020631.6 (MANE Select); coding-DNA position 2564, C replaced by T.
Protein change: p.Ser855Leu; replaces serine 855 with leucine.
Molecular consequence: missense variant.
Genome position (GRCh38, 1-based): chr1:6,468,272, G>A on the plus strand (C>T on the coding strand, the complement: PLEKHG5 is on the minus strand). VCF-style: chr1-6468272-G-A. GRCh37 (hg19) VCF-style: chr1-6528332-G-A.
Other names: c.2675C>T, p.Ser892Leu (NM_001042663.3, NM_001265592.2); c.2564C>T, p.Ser855Leu (NM_001042664.2, NM_001042665.2, NM_001265594.3 and 1 more transcripts); c.2771C>T, p.Ser924Leu (NM_001265593.2); short protein forms S855L, S924L, S892L.
Identifiers: ClinVar variation 195528 (VCV000195528.16), dbSNP rs768995193, ClinGen allele CA241980.
Genomic context (GRCh38, chr1:6,468,272, plus strand): 5'-TTGAGCAGGTGGGGCGGGCAGCTCAACAGCTGGACAGGGGTGCGGCGGCGGAGACGGGGC[G>A]AGGGTGGAGGGGAAGGAACTCGTGGGGACTCTGGGGCCCGAGGCACTAGCTCTGCCATTG-3'
Protein context (NP_065682.2, residues 845-865): ESPRVPSPPP[Ser855Leu]PRLRRRTPVQ